The following is an entry in ClinVar:

ClinVar aggregate classification (germline): Uncertain significance. Review status: criteria provided, multiple submitters, no conflicts (2 of 4 stars). 3 submissions from 3 submitters: Uncertain significance (3). Last evaluated 2025-07-27.

Conditions:
Autosomal dominant nonsyndromic hearing loss 1. Also called: KONIGSMARK SYNDROME; DEAFNESS, AUTOSOMAL DOMINANT 1, WITH OR WITHOUT THROMBOCYTOPENIA. Identifiers: Orphanet 90635, MedGen C1852282, MONDO:0007424, OMIM 124900.
Progressive microcephaly-seizures-cortical blindness-developmental delay syndrome. Also called: Seizures, cortical blindness, and microcephaly syndrome. Identifiers: Orphanet 477814, MedGen C5567650, MONDO:0014714, OMIM 616632.

Allele frequency attached by ClinVar (database versions not stated): ExAC 0.00002; gnomAD exomes 0.00002 and 0.00005; TOPMed 0.00003; gnomAD 0.00004.
gnomAD v4.1: 75 of 1,613,976 alleles (0.0046%); highest among the groups gnomAD compares: Non-Finnish European, 0.0061%; no homozygotes.

Submissions (3):

Labcorp Genetics (formerly Invitae), Labcorp
Classification: Uncertain significance for Progressive microcephaly-seizures-cortical blindness-developmental delay syndrome; Autosomal dominant nonsyndromic hearing loss 1. Last evaluated: 2025-07-27. Review status: criteria provided, single submitter. Criteria: Invitae Variant Classification Sherloc (09022015). Collection method: clinical testing. Allele origin: germline.
Comment: This sequence change replaces proline, which is neutral and non-polar, with leucine, which is neutral and non-polar, at codon 758 of the DIAPH1 protein (p.Pro758Leu). This variant is present in population databases (rs762969077, gnomAD 0.006%). This variant has not been reported in the literature in individuals affected with DIAPH1-related conditions. ClinVar contains an entry for this variant (Variation ID: 351287). An algorithm developed to predict the effect of missense changes on protein structure and function outputs the following: PolyPhen-2: "Not Available". The leucine amino acid residue is found in multiple mammalian species, which suggests that this missense change does not adversely affect protein function. In summary, the available evidence is currently insufficient to determine the role of this variant in disease. Therefore, it has been classified as a Variant of Uncertain Significance.

GeneDx
Classification: Uncertain significance. Last evaluated: 2022-10-10. Review status: criteria provided, single submitter. Criteria: GeneDx Variant Classification Process June 2021. Collection method: clinical testing. Allele origin: germline. Affected: yes.
Comment: In silico analysis supports that this missense variant does not alter protein structure/function; Has not been previously published as pathogenic or benign to our knowledge; This variant is associated with the following publications: (PMID: 25794154)

Illumina Laboratory Services, Illumina
Classification: Uncertain significance for Autosomal dominant nonsyndromic hearing loss 1. Last evaluated: 2018-01-12. Review status: criteria provided, single submitter. Criteria: ICSL Variant Classification Criteria 13 December 2019. Collection method: clinical testing. Allele origin: germline.

NM_005219.5(DIAPH1):c.2273C>T (p.Pro758Leu)

Gene: DIAPH1 (diaphanous related formin 1; minus strand). Cytogenetic location: 5q31.3.
Variant type: single nucleotide variant.
Coding change: c.2273C>T on transcript NM_005219.5 (MANE Select); coding-DNA position 2273, C replaced by T.
Protein change: p.Pro758Leu; replaces proline 758 with leucine.
Molecular consequence: missense variant.
Genome position (GRCh38, 1-based): chr5:141,573,577, G>A on the plus strand (C>T on the coding strand, the complement: DIAPH1 is on the minus strand). VCF-style: chr5-141573577-G-A. GRCh37 (hg19) VCF-style: chr5-140953144-G-A.
Other names: c.2246C>T, p.Pro749Leu (NM_001079812.3); c.2273C>T, p.Pro758Leu (NM_001314007.2); short protein forms P758L, P749L.
Identifiers: ClinVar variation 351287 (VCV000351287.12), dbSNP rs762969077, ClinGen allele CA3479125.